The following is an entry in ClinVar:

NM_003458.4(BSN):c.10446G>C (p.Lys3482Asn)

Gene: BSN (bassoon presynaptic cytomatrix protein; plus strand). Cytogenetic location: 3p21.31.
Variant type: single nucleotide variant.
Coding change: c.10446G>C on transcript NM_003458.4 (MANE Select); coding-DNA position 10446, G replaced by C.
Protein change: p.Lys3482Asn; replaces lysine 3482 with asparagine.
Molecular consequence: missense variant.
Genome position (GRCh38, 1-based): chr3:49,662,291, G>C. VCF-style: chr3-49662291-G-C. GRCh37 (hg19) VCF-style: chr3-49699724-G-C.
Other names: short protein forms K3482N.
Identifiers: ClinVar variation 4088199 (VCV004088199.1).

ClinVar aggregate classification (germline): Uncertain significance (1 of 4 stars; one submission).

Submission:

GeneDx
Classification: Uncertain significance. Last evaluated: 2025-03-13. Review status: criteria provided, single submitter. Criteria: GeneDx Variant Classification Process June 2021. Collection method: clinical testing. Allele origin: germline. Affected: yes.
Comment: Not observed at significant frequency in large population cohorts (gnomAD); In silico analysis supports that this missense variant has a deleterious effect on protein structure/function; Has not been previously published as pathogenic or benign to our knowledge; Variants in candidate genes are classified as variants of uncertain significance in accordance with ACMG guidelines (PMID: 25741868)